The following is an entry in ClinVar:

NM_015001.3(SPEN):c.2194C>T (p.Arg732Ter)

Gene: SPEN (spen family transcriptional repressor; plus strand). Cytogenetic location: 1p36.13.
Variant type: single nucleotide variant.
Coding change: c.2194C>T on transcript NM_015001.3 (MANE Select); coding-DNA position 2194, C replaced by T.
Protein change: p.Arg732Ter; replaces arginine 732 with a stop codon.
Molecular consequence: nonsense.
Genome position (GRCh38, 1-based): chr1:15,928,434, C>T. VCF-style: chr1-15928434-C-T. GRCh37 (hg19) VCF-style: chr1-16254929-C-T.
Other names: short protein forms R732*.
Identifiers: ClinVar variation 560285 (VCV000560285.5), dbSNP rs751475729, ClinGen allele CA338598721.
Genomic context (GRCh38, chr1:15,928,434, plus strand): 5'-GACCGGGACAGAGACCATGAGAGGAGGCCGATTGAACGAAGTCAAAGTCCTGTTCACTTG[C>T]GACGTCCACAGAGTCCTGGAGCGTCTCCCTCTCAGGCAGAGAGGTTGCCGAGTGATTCTG-3'

ClinVar aggregate classification (germline): Uncertain significance. Review status: criteria provided, multiple submitters, no conflicts (2 of 4 stars). 2 submissions from 2 submitters: Uncertain significance (2). Last evaluated 2025-09-10.

Conditions:
Radio-Tartaglia syndrome. Identifiers: Orphanet 662234, MedGen C5543339, MONDO:0859143, OMIM 619312.

Submissions (2):

Genomic Medicine Center of Excellence, King Faisal Specialist Hospital and Research Centre
Classification: Uncertain significance for Radio-Tartaglia syndrome. Last evaluated: 2025-09-10. Review status: criteria provided, single submitter. Criteria: ACMG Guidelines, 2015. Collection method: clinical testing. Allele origin: germline.

Geisinger Autism and Developmental Medicine Institute, Geisinger Health System
Classification: Uncertain significance. Last evaluated: 2017-06-09. Review status: criteria provided, single submitter. Criteria: ACMG Guidelines, 2015. Collection method: provider interpretation, clinical testing. Allele origin: de novo. Observed: 1 variant allele.
Comment: At the time of the lab report, no known human disorders had been clearly associated with this gene. SPEN maps to the genomic region associated with 1p36 deletion syndrome and is located within the critical region associated with congenital heart defects (Jordan et al., 2015).

Literature cited by the submitters: PubMed 26345236 (cited by Geisinger Autism and Developmental Medicine Institute, Geisinger Health System).